The following is an entry in ClinVar:

NM_002202.3(ISL1):c.388C>G (p.Arg130Gly)

Gene: ISL1 (ISL LIM homeobox 1; plus strand). Cytogenetic location: 5q11.1.
Variant type: single nucleotide variant.
Coding change: c.388C>G on transcript NM_002202.3 (MANE Select); coding-DNA position 388, C replaced by G.
Protein change: p.Arg130Gly; replaces arginine 130 with glycine.
Molecular consequence: missense variant.
Genome position (GRCh38, 1-based): chr5:51,387,659, C>G. VCF-style: chr5-51387659-C-G. GRCh37 (hg19) VCF-style: chr5-50683493-C-G.
Other names: short protein forms R130G.
Identifiers: ClinVar variation 3530191 (VCV003530191.2).

ClinVar aggregate classification (germline): Uncertain significance. Review status: criteria provided, multiple submitters, no conflicts (2 of 4 stars). 2 submissions from 2 submitters: Uncertain significance (2). Last evaluated 2025-11-07.

Conditions:
ISL1-related disorder. Also called: ISL1-related condition.

Submissions (2):

PreventionGenetics, part of Exact Sciences
Classification: Uncertain significance for ISL1-related condition. Last evaluated: 2025-11-07. Review status: criteria provided, single submitter. Criteria: ACMG Guidelines, 2015. Collection method: clinical testing. Allele origin: germline.
Comment: The ISL1 c.388C>G variant is predicted to result in the amino acid substitution p.Arg130Gly. To our knowledge, this variant has not been reported in the literature. This variant is reported in 0.0018% of alleles in individuals of European (Non-Finnish) descent in gnomAD. At this time, the clinical significance of this variant is uncertain due to the absence of conclusive functional and genetic evidence.

Ambry Genetics
Classification: Uncertain significance. Last evaluated: 2024-08-21. Review status: criteria provided, single submitter. Criteria: Ambry Variant Classification Scheme 2023. Collection method: clinical testing. Allele origin: germline.